The following is an entry in ClinVar:

ClinVar aggregate classification (germline): Pathogenic (1 of 4 stars; one submission).

Submission:

Labcorp Genetics (formerly Invitae), Labcorp
Classification: Pathogenic. Last evaluated: 2023-12-14. Review status: criteria provided, single submitter. Criteria: Invitae Variant Classification Sherloc (09022015). Collection method: clinical testing. Allele origin: germline.
Comment: This sequence change creates a premature translational stop signal (p.Tyr1732*) in the OTOF gene. It is expected to result in an absent or disrupted protein product. Loss-of-function variants in OTOF are known to be pathogenic (PMID: 18381613, 19250381, 22575033). This variant is not present in population databases (gnomAD no frequency). This variant has not been reported in the literature in individuals affected with OTOF-related conditions. For these reasons, this variant has been classified as Pathogenic.

Literature cited by the submitters: PubMed 18381613; PubMed 19250381; PubMed 22575033.

NM_194248.3(OTOF):c.5196C>A (p.Tyr1732Ter)

Gene: OTOF (otoferlin; minus strand). Cytogenetic location: 2p23.3.
Variant type: single nucleotide variant.
Coding change: c.5196C>A on transcript NM_194248.3 (MANE Select); coding-DNA position 5196, C replaced by A.
Protein change: p.Tyr1732Ter; replaces tyrosine 1732 with a stop codon.
Molecular consequence: nonsense.
Genome position (GRCh38, 1-based): chr2:26,462,178, G>T on the plus strand (C>A on the coding strand, the complement: OTOF is on the minus strand). VCF-style: chr2-26462178-G-T. GRCh37 (hg19) VCF-style: chr2-26685046-G-T.
Other names: c.5196C>A, p.Tyr1732Ter (NM_001287489.2); c.2895C>A, p.Tyr965Ter (NM_004802.4, NM_194323.3); c.3126C>A, p.Tyr1042Ter (NM_194322.3); short protein forms Y1732*, Y1042*, Y965*.
Identifiers: ClinVar variation 2789776 (VCV002789776.3), dbSNP rs138681366, ClinGen allele CA346132411.